The following is an entry in ClinVar:

ClinVar aggregate classification (germline): Pathogenic (1 of 4 stars; one submission).

Conditions:
Neurodevelopmental disorder with hypotonia, stereotypic hand movements, and impaired language. Also called: Intellectual disability, autosomal dominant 20. Identifiers: Orphanet 228384, Orphanet 664410, MedGen C3150700, MONDO:0013266, OMIM 613443.

Submission:

Undiagnosed Diseases Network, NIH
Classification: Pathogenic for Neurodevelopmental disorder with hypotonia, stereotypic hand movements, and impaired language. Last evaluated: 2017-08-11. Review status: criteria provided, single submitter. Criteria: ACMG Guidelines, 2015. Collection method: clinical testing. Allele origin: de novo. Inheritance: Autosomal dominant inheritance. Affected: yes. Observed: 1 variant allele, 1 heterozygote.
Comment: 200kb deletion that includes exon 1

NC_000005.10:g.88846693_89051376delinsG

Genes: MEF2C (myocyte enhancer factor 2C; minus strand), MEF2C-AS1 (MEF2C antisense RNA 1; plus strand), LOC129994186 (ATAC-STARR-seq lymphoblastoid active region 22766; plus strand). Cytogenetic location: 5q14.3.
Variant type: Indel.
Identifiers: ClinVar variation 598760 (VCV000598760.3).